The following is an entry in ClinVar:

ClinVar aggregate classification (germline): Uncertain significance. Review status: criteria provided, multiple submitters, no conflicts (2 of 4 stars). 2 submissions from 2 submitters: Uncertain significance (2). Last evaluated 2023-04-18.

Conditions:
Progressive sclerosing poliodystrophy (MTDPS4A). Also called: ALPERS PROGRESSIVE INFANTILE POLIODYSTROPHY; Alpers-Huttenlocher Syndrome (AHS); NEURONAL DEGENERATION OF CHILDHOOD WITH LIVER DISEASE, PROGRESSIVE; Mitochondrial DNA depletion syndrome 4A (Alpers type); Mitochondrial DNA Depletion Syndrome 4A; Alpers Syndrome. Identifiers: Orphanet 726, MedGen C0205710, MONDO:0008758, OMIM 203700.

Submissions (2):

Labcorp Genetics (formerly Invitae), Labcorp
Classification: Uncertain significance for Progressive sclerosing poliodystrophy. Last evaluated: 2023-04-18. Review status: criteria provided, single submitter. Criteria: Invitae Variant Classification Sherloc (09022015). Collection method: clinical testing. Allele origin: germline.
Comment: This sequence change replaces asparagine, which is neutral and polar, with serine, which is neutral and polar, at codon 950 of the POLG protein (p.Asn950Ser). This variant is not present in population databases (gnomAD no frequency). This variant has not been reported in the literature in individuals affected with POLG-related conditions. ClinVar contains an entry for this variant (Variation ID: 1693652). Advanced modeling of protein sequence and biophysical properties (such as structural, functional, and spatial information, amino acid conservation, physicochemical variation, residue mobility, and thermodynamic stability) performed at Invitae indicates that this missense variant is expected to disrupt POLG protein function. In summary, the available evidence is currently insufficient to determine the role of this variant in disease. Therefore, it has been classified as a Variant of Uncertain Significance.

Mayo Clinic Laboratories, Mayo Clinic
Classification: Uncertain significance. Last evaluated: 2021-06-11. Review status: criteria provided, single submitter. Criteria: ACMG Guidelines, 2015. Collection method: clinical testing. Allele origin: germline.

NM_002693.3(POLG):c.2849A>G (p.Asn950Ser)

Gene: POLG (DNA polymerase gamma, catalytic subunit; minus strand). Cytogenetic location: 15q26.1.
Variant type: single nucleotide variant.
Coding change: c.2849A>G on transcript NM_002693.3 (MANE Select); coding-DNA position 2849, A replaced by G.
Protein change: p.Asn950Ser; replaces asparagine 950 with serine.
Molecular consequence: missense variant.
Genome position (GRCh38, 1-based): chr15:89,320,898, T>C on the plus strand (A>G on the coding strand, the complement: POLG is on the minus strand). VCF-style: chr15-89320898-T-C. GRCh37 (hg19) VCF-style: chr15-89864129-T-C.
Other names: p.Asn950Ser; c.2849A>G, p.Asn950Ser (NM_001126131.2); short protein forms N950S.
Identifiers: ClinVar variation 1693652 (VCV001693652.7), dbSNP rs1243940170, ClinGen allele CA393752810.
Genomic context (GRCh38, chr15:89,320,898, plus strand): 5'-TTAAACTGCATTAGTAAGCGCTCAGCAAAGGGCTGCCCAGCACCATAGATGCGGCCGTAG[T>C]TGAAGATTTTGGCATGCTCACGGCTGATGCCCACAGTAGTGGCTGTCTTACTGTGTAGAT-3'
Protein context (NP_002684.1, residues 940-960): GISREHAKIF[Asn950Ser]YGRIYGAGQP